The following is an entry in ClinVar:

ClinVar aggregate classification (germline): Uncertain significance (1 of 4 stars; one submission).

Conditions:
Ehlers-Danlos syndrome, classic type, 1 (EDSCL1). Also called: EHLERS-DANLOS SYNDROME, GRAVIS TYPE; EHLERS-DANLOS SYNDROME, SEVERE CLASSIC TYPE; EDS I; Ehlers-Danlos Syndrome, Classic Type, COL5A1-Related; Ehlers-Danlos syndrome, type 1. Identifiers: MedGen C0268335, MONDO:0019567, OMIM 130000.
Osteogenesis imperfecta type I (OI1). Also called: OI, TYPE I; OSTEOGENESIS IMPERFECTA TARDA; OSTEOGENESIS IMPERFECTA WITH BLUE SCLERAE; Classic Non-deforming Osteogenesis Imperfecta with Blue Sclerae; Lobstein disease; Osteogenesis imperfecta type 1. Identifiers: Orphanet 216796, Orphanet 666, MedGen C0023931, MONDO:0008146, OMIM 166200. Disease mechanism: loss of function.

Allele frequency attached by ClinVar (database versions not stated): gnomAD 0.00001; gnomAD exomes below 0.00001.
gnomAD v4.1: 6 of 1,581,724 alleles (0.00038%); highest among the groups gnomAD compares: African/African-American, 0.0067%; no homozygotes.

Submission:

Labcorp Genetics (formerly Invitae), Labcorp
Classification: Uncertain significance for Osteogenesis imperfecta type I; Ehlers-Danlos syndrome, classic type, 1. Last evaluated: 2024-11-05. Review status: criteria provided, single submitter. Criteria: Invitae Variant Classification Sherloc (09022015). Collection method: clinical testing. Allele origin: germline.
Comment: This sequence change falls in intron 32 of the COL1A2 gene. It does not directly change the encoded amino acid sequence of the COL1A2 protein. It affects a nucleotide within the consensus splice site. This variant is not present in population databases (gnomAD no frequency). This variant has not been reported in the literature in individuals affected with COL1A2-related conditions. ClinVar contains an entry for this variant (Variation ID: 456813). Variants that disrupt the consensus splice site are a relatively common cause of aberrant splicing (PMID: 17576681, 9536098). Algorithms developed to predict the effect of sequence changes on RNA splicing suggest that this variant is not likely to affect RNA splicing. In summary, the available evidence is currently insufficient to determine the role of this variant in disease. Therefore, it has been classified as a Variant of Uncertain Significance.

Literature cited by the submitters: PubMed 17576681; PubMed 9536098.

NM_000089.4(COL1A2):c.1971+6T>C

Gene: COL1A2 (collagen type I alpha 2 chain; plus strand). Cytogenetic location: 7q21.3.
Variant type: single nucleotide variant.
Coding change: c.1971+6T>C on transcript NM_000089.4 (MANE Select); 6 bases into the intron after coding-DNA position 1971, T replaced by C.
Molecular consequence: intron variant.
Genome position (GRCh38, 1-based): chr7:94,417,837, T>C. VCF-style: chr7-94417837-T-C. GRCh37 (hg19) VCF-style: chr7-94047149-T-C.
Identifiers: ClinVar variation 456813 (VCV000456813.11), dbSNP rs1345215762, ClinGen allele CA576323030.